The following is an entry in ClinVar:

NM_007194.4(CHEK2):c.1141A>C (p.Met381Leu)

Gene: CHEK2 (checkpoint kinase 2; minus strand). Cytogenetic location: 22q12.1.
Variant type: single nucleotide variant.
Coding change: c.1141A>C on transcript NM_007194.4 (MANE Select); coding-DNA position 1141, A replaced by C.
Protein change: p.Met381Leu; replaces methionine 381 with leucine.
Molecular consequence: missense variant.
Genome position (GRCh38, 1-based): chr22:28,695,828, T>G on the plus strand (A>C on the coding strand, the complement: CHEK2 is on the minus strand). VCF-style: chr22-28695828-T-G. GRCh37 (hg19) VCF-style: chr22-29091816-T-G.
Other names: c.1270A>C, p.Met424Leu (NM_001005735.3); c.478A>C, p.Met160Leu (NM_001257387.3); c.940A>C, p.Met314Leu (NM_001349956.3); c.1054A>C, p.Met352Leu (NM_145862.3); short protein forms M381L, M160L, M352L, M424L, M314L.
Identifiers: ClinVar variation 231297 (VCV000231297.22), dbSNP rs375130261, ClinGen allele CA10167719.

ClinVar aggregate classification (germline): Uncertain significance. Review status: criteria provided, multiple submitters, no conflicts (2 of 4 stars). 4 submissions from 4 submitters: Uncertain significance (4). Last evaluated 2025-11-12.

Conditions:
Hereditary cancer-predisposing syndrome. Also called: Neoplastic Syndromes, Hereditary; Tumor predisposition; Hereditary Cancer Syndrome; Hereditary neoplastic syndrome. Identifiers: Orphanet 140162, MedGen C0027672, MeSH D009386, MONDO:0015356.
CHEK2-related cancer predisposition (TPDS4). Also called: CHEK2-related cancer susceptibility; TUMOR PREDISPOSITION SYNDROME 4; CANCER PREDISPOSITION SYNDROME, CHEK2-RELATED. Identifiers: Orphanet 524, MedGen C5882668, MONDO:0700271, OMIM 609265.
Familial cancer of breast. Also called: BREAST CANCER, FAMILIAL; hereditary breast carcinoma; Hereditary breast cancer. Identifiers: Orphanet 227535, MedGen C0346153, MONDO:0016419, OMIM 114480. Disease mechanism: loss of function.

Submissions (4):

Labcorp Genetics (formerly Invitae), Labcorp
Classification: Uncertain significance for Familial cancer of breast. Last evaluated: 2025-11-12. Review status: criteria provided, single submitter. Criteria: Invitae Variant Classification Sherloc (09022015). Collection method: clinical testing. Allele origin: germline.
Comment: This sequence change replaces methionine, which is neutral and non-polar, with leucine, which is neutral and non-polar, at codon 381 of the CHEK2 protein (p.Met381Leu). This variant is present in population databases (rs375130261, gnomAD 0.0009%). This variant has not been reported in the literature in individuals affected with CHEK2-related conditions. ClinVar contains an entry for this variant (Variation ID: 231297). An algorithm developed to predict the effect of missense changes on protein structure and function (PolyPhen-2) suggests that this variant is likely to be tolerated. In summary, the available evidence is currently insufficient to determine the role of this variant in disease. Therefore, it has been classified as a Variant of Uncertain Significance.

Ambry Genetics
Classification: Uncertain significance for Hereditary cancer-predisposing syndrome. Last evaluated: 2024-10-26. Review status: criteria provided, single submitter. Criteria: Ambry Variant Classification Scheme 2023. Collection method: clinical testing. Allele origin: germline.
Comment: The p.M381L variant (also known as c.1141A>C), located in coding exon 10 of the CHEK2 gene, results from an A to C substitution at nucleotide position 1141. The methionine at codon 381 is replaced by leucine, an amino acid with highly similar properties. This amino acid position is highly conserved in available vertebrate species. In addition, the in silico prediction for this alteration is inconclusive. Based on the available evidence, the clinical significance of this variant remains unclear.

GeneDx
Classification: Uncertain significance. Last evaluated: 2024-01-18. Review status: criteria provided, single submitter. Criteria: GeneDx Variant Classification Process June 2021. Collection method: clinical testing. Allele origin: germline. Affected: yes.
Comment: Not observed at significant frequency in large population cohorts (gnomAD); In silico analysis, which includes protein predictors and evolutionary conservation, supports that this variant does not alter protein structure/function; Has not been previously published as pathogenic or benign to our knowledge; This variant is associated with the following publications: (PMID: 19782031, 22419737)

Baylor Genetics
Classification: Uncertain significance for CHEK2-related cancer predisposition. Last evaluated: 2022-01-07. Review status: criteria provided, single submitter. Criteria: ACMG Guidelines, 2015. Collection method: clinical testing. Allele origin: paternal. Affected: yes. Study: CSER-TexasKidsCanSeq.
Comment: This variant was determined to be of uncertain significance according to ACMG Guidelines, 2015 [PMID:25741868].